The following is an entry in ClinVar:

NM_001378452.1(ITPR1):c.*777C>T

Gene: ITPR1 (inositol 1,4,5-trisphosphate receptor type 1; plus strand). Cytogenetic location: 3p26.1.
Variant type: single nucleotide variant.
Coding change: c.*777C>T on transcript NM_001378452.1 (MANE Select); 777 bases downstream of the stop codon, C replaced by T.
Molecular consequence: 3 prime UTR variant.
Genome position (GRCh38, 1-based): chr3:4,847,002, C>T. VCF-style: chr3-4847002-C-T. GRCh37 (hg19) VCF-style: chr3-4888686-C-T.
Other names: c.*777C>T (NM_001099952.4, NM_001168272.2, NM_002222.7).
Identifiers: ClinVar variation 345908 (VCV000345908.6), dbSNP rs41315884, ClinGen allele CA10616220.
Genomic context (GRCh38, chr3:4,847,002, plus strand): 5'-AAATTAGAGGCTCATACTTTAGCTTGTGAAGAAGATAATGAATTTTTTAAAGGGAACTTT[C>T]TATGCAATGTTCAGGATAAATGCATACTGCTGGCCAATCAGTGTCATCTCCTGGGTAAAT-3'

ClinVar aggregate classification (germline): Benign. Review status: criteria provided, multiple submitters, no conflicts (2 of 4 stars). 2 submissions from 2 submitters: Benign (2). Last evaluated 2018-01-12.

Conditions:
Autosomal dominant cerebellar ataxia. Also called: Spinocerebellar Ataxia, Dominant. Identifiers: Orphanet 99, MedGen C4087347, MONDO:0020380.

Allele frequency attached by ClinVar (database versions not stated): 1000 Genomes Project 0.04173; 1000 Genomes Project 30x 0.04419; TOPMed 0.05237; gnomAD 0.05676; gnomAD exomes 0.06542.
gnomAD v4.1: 8,156 of 152,660 alleles (5.3%); highest among the groups gnomAD compares: African/African-American, 11%; 313 homozygotes.

Submissions (2):

Illumina Laboratory Services, Illumina
Classification: Benign for Spinocerebellar Ataxia, Dominant. Last evaluated: 2018-01-12. Review status: criteria provided, single submitter. Criteria: ICSL Variant Classification Criteria 13 December 2019. Collection method: clinical testing. Allele origin: germline.
Comment: This variant was observed in the ICSL laboratory as part of a predisposition screen in an ostensibly healthy population. It had not been previously curated by ICSL or reported in the Human Gene Mutation Database (HGMD: prior to June 1st, 2018), and was therefore a candidate for classification through an automated scoring system. Utilizing variant allele frequency, disease prevalence and penetrance estimates, and inheritance mode, an automated score was calculated to assess if this variant is too frequent to cause the disease. Based on the score and internal cut-off values, a variant classified as benign is not then subjected to further curation. The score for this variant resulted in a classification of benign for this disease.

Breakthrough Genomics
Classification: Benign. Review status: criteria provided, single submitter. Criteria: ACMG Guidelines, 2015. Collection method: not provided. Allele origin: germline. Inheritance: Autosomal dominant inheritance. Affected: yes.